The following is an entry in ClinVar:

ClinVar aggregate classification (germline): Benign/Likely benign. Review status: criteria provided, multiple submitters, no conflicts (2 of 4 stars). 5 submissions from 5 submitters: Benign (3); Likely benign (2). Last evaluated 2026-07-01.

Submissions (5):

CeGaT Center for Human Genetics Tuebingen
Classification: Likely benign. Last evaluated: 2026-07-01. Review status: criteria provided, single submitter. Criteria: CeGaT Center For Human Genetics Tuebingen Variant Classification Criteria Version 2. Collection method: clinical testing. Allele origin: germline. Affected: yes. Observed: 6 variant alleles.
Comment: MTOR: BS1

Labcorp Genetics (formerly Invitae), Labcorp
Classification: Benign. Last evaluated: 2026-01-13. Review status: criteria provided, single submitter. Criteria: Invitae Variant Classification Sherloc (09022015). Collection method: clinical testing. Allele origin: germline.

Mayo Clinic Laboratories, Mayo Clinic
Classification: Benign. Last evaluated: 2024-11-07. Review status: criteria provided, single submitter. Criteria: ACMG Guidelines, 2015. Collection method: clinical testing. Allele origin: germline. Observed: 1 variant allele.
Comment: BA1

Blueprint Genetics
Classification: Likely benign. Last evaluated: 2024-10-21. Review status: criteria provided, single submitter. Criteria: ACMG Guidelines, 2015. Collection method: clinical testing. Allele origin: germline.

GeneDx
Classification: Benign. Last evaluated: 2020-10-28. Review status: criteria provided, single submitter. Criteria: GeneDx Variant Classification Process June 2021. Collection method: clinical testing. Allele origin: germline. Affected: yes.

NM_004958.4(MTOR):c.5490_5501del (p.1830_1833TAAT[1])

Gene: MTOR (mechanistic target of rapamycin kinase; minus strand). Cytogenetic location: 1p36.22.
Variant type: Deletion.
Coding change: c.5490_5501del on transcript NM_004958.4 (MANE Select); coding-DNA positions 5490 to 5501, 12 bases deleted (TGCCGCCACCAC).
Protein change: p.1830_1833TAAT[1].
Molecular consequence: inframe deletion.
Genome position (GRCh38, 1-based): chr1:11,130,641-11,130,652, GTGGTGGCGGCA deleted on the plus strand (TGCCGCCACCAC on the coding strand, the reverse complement: MTOR is on the minus strand); deleting any 12 consecutive bases within chr1:11,130,641-11,130,661 gives the same sequence; the c. name uses the placement nearest the transcript's 3' end. VCF-style (leftmost placement, unchanged base first): chr1-11130640-CGTGGTGGCGGCA-C. GRCh37 (hg19) VCF-style: chr1-11190697-CGTGGTGGCGGCA-C.
Other names: p.Thr1834_Thr1837del; c.5490_5501del (NM_004958.3, LRG_734t1).
Identifiers: ClinVar variation 414898 (VCV000414898.39), dbSNP rs571156267, ClinGen allele CA589330.
Genomic context (GRCh38, chr1:11,130,640, plus strand): 5'-CTCGGCCTCGCTCTCACTGTTGCTGCCCTCGGTGCTGGCAGTGGTGGTGGCAGTGGCGGC[CGTGGTGGCGGCA>C]GTGGTGGCGTTGGTGATGTTGGCCCCGCTGGCATGACGCAGTTTCTTCTTCTCATCGCGG-3'